The following is an entry in ClinVar:

ClinVar aggregate classification (germline): Uncertain significance (1 of 4 stars; one submission).

Submission:

GeneDx
Classification: Uncertain significance. Last evaluated: 2026-09-11. Review status: criteria provided, single submitter. Criteria: GeneDx Variant Classification Process June 2021. Collection method: clinical testing. Allele origin: germline.
Comment: Not observed at significant frequency in large population cohorts (gnomAD); In silico analysis supports that this missense variant has a deleterious effect on protein structure/function; Has not been previously published as pathogenic or benign to our knowledge

NM_004606.5(TAF1):c.17G>T (p.Ser6Ile)

Gene: TAF1 (TATA-box binding protein associated factor 1; plus strand). Cytogenetic location: Xq13.1.
Variant type: single nucleotide variant.
Coding change: c.17G>T on transcript NM_004606.5 (MANE Select); coding-DNA position 17, G replaced by T.
Protein change: p.Ser6Ile; replaces serine 6 with isoleucine.
Molecular consequence: missense variant. On other transcripts: non-coding transcript variant (9).
Genome position (GRCh38, 1-based): chrX:71,366,391, G>T. VCF-style: chrX-71366391-G-T. GRCh37 (hg19) VCF-style: chrX-70586241-G-T.
Other names: c.17G>T, p.Ser6Ile (NM_138923.4, NM_001286074.2); short protein forms S6I.
Identifiers: ClinVar variation 3906395 (VCV003906395.2).
Genomic context (GRCh38, chrX:71,366,391, plus strand): 5'-ATTTGCTGCTGCGGACAGCAGCTACCATCACTGCTGCCGCCATCATGTCAGACACGGACA[G>T]CGACGAAGATTCCGCTGGAGGCGGCCCATTTTCTTTAGCGGGTTTCCTTTTCGGCAACAT-3'
Protein context (NP_004597.3, residues 1-16): MSDTD[Ser6Ile]DEDSAGGGPF